The following is an entry in ClinVar:

ClinVar aggregate classification (germline): Uncertain significance (1 of 4 stars; one submission).

Conditions:
Hereditary cancer-predisposing syndrome. Also called: Neoplastic Syndromes, Hereditary; Hereditary Cancer Syndrome; Hereditary neoplastic syndrome; Tumor predisposition. Identifiers: Orphanet 140162, MedGen C0027672, MeSH D009386, MONDO:0015356.

Submission:

Ambry Genetics
Classification: Uncertain significance for Hereditary cancer-predisposing syndrome. Last evaluated: 2023-04-08. Review status: criteria provided, single submitter. Criteria: Ambry Variant Classification Scheme 2023. Collection method: clinical testing. Allele origin: germline.
Comment: The p.N435I variant (also known as c.1304A>T), located in coding exon 9 of the CTNNA1 gene, results from an A to T substitution at nucleotide position 1304. The asparagine at codon 435 is replaced by isoleucine, an amino acid with dissimilar properties. This amino acid position is conserved. In addition, the in silico prediction for this alteration is inconclusive. Since supporting evidence is limited at this time, the clinical significance of this alteration remains unclear.

NM_001903.5(CTNNA1):c.1304A>T (p.Asn435Ile)

Gene: CTNNA1 (catenin alpha 1; plus strand). Cytogenetic location: 5q31.2.
Variant type: single nucleotide variant.
Coding change: c.1304A>T on transcript NM_001903.5 (MANE Select); coding-DNA position 1304, A replaced by T.
Protein change: p.Asn435Ile; replaces asparagine 435 with isoleucine.
Molecular consequence: missense variant. On other transcripts: 5 prime UTR variant (6), intron variant (3).
Genome position (GRCh38, 1-based): chr5:138,904,356, A>T. VCF-style: chr5-138904356-A-T. GRCh37 (hg19) VCF-style: chr5-138240045-A-T.
Other names: c.1304A>T, p.Asn435Ile (NM_001290307.3, NM_001323982.2, NM_001323983.1 and 2 more transcripts); c.995A>T, p.Asn332Ile (NM_001290309.3); c.935A>T, p.Asn312Ile (NM_001290310.3); c.194A>T, p.Asn65Ile (NM_001290312.1, NM_001323987.1, NM_001323988.1 and 17 more transcripts); c.-204A>T (NM_001324006.1, NM_001324007.1, NM_001324008.1 and 1 more transcripts); c.-50A>T (NM_001324012.1, NM_001324013.1); c.1297-13386A>T (NM_001323986.2); c.187-13386A>T (NM_001324011.1); and 1 more; short protein forms N435I, N312I, N332I, N65I.
Identifiers: ClinVar variation 2563274 (VCV002563274.2), dbSNP rs752913534, ClinGen allele CA361135875.
Genomic context (GRCh38, chr5:138,904,356, plus strand): 5'-TCCTTAGCAGTCAAAAGAGAAAAATCTTTAAAGATTATTTTTTATGTTTATAGGTTGCCA[A>T]CTTGGCCTGTTCCATCTCAAATAATGAAGAAGGTGTAAAGCTTGTTCGAATGTCTGCAAG-3'
Protein context (NP_001894.2, residues 425-445): EHANKLIEVA[Asn435Ile]LACSISNNEE